The following is an entry in ClinVar:

NM_001080517.3(SETD5):c.4074A>G (p.Ser1358=)

Gene: SETD5 (SET domain containing 5; plus strand). Cytogenetic location: 3p25.3.
Variant type: single nucleotide variant.
Coding change: c.4074A>G on transcript NM_001080517.3 (MANE Select); coding-DNA position 4074, A replaced by G.
Protein change: p.Ser1358=; no amino-acid change (serine 1358 retained).
Molecular consequence: synonymous variant.
Genome position (GRCh38, 1-based): chr3:9,475,836, A>G. VCF-style: chr3-9475836-A-G. GRCh37 (hg19) VCF-style: chr3-9517520-A-G.
Other names: c.3780A>G, p.Ser1260= (NM_001292043.2, NM_001349451.2).
Identifiers: ClinVar variation 3905851 (VCV003905851.10).

ClinVar aggregate classification (germline): Likely benign (1 of 4 stars; one submission).

gnomAD v4.1: 6 of 1,613,996 alleles (0.00037%); highest among the groups gnomAD compares: East Asian, 0.011%; no homozygotes.

Submission:

CeGaT Center for Human Genetics Tuebingen
Classification: Likely benign. Last evaluated: 2025-05-01. Review status: criteria provided, single submitter. Criteria: CeGaT Center For Human Genetics Tuebingen Variant Classification Criteria Version 2. Collection method: clinical testing. Allele origin: germline. Affected: yes. Observed: 1 variant allele.
Comment: SETD5: BP4